The following is an entry in ClinVar:

NM_013246.3(CLCF1):c.660_666del (p.Gly221fs)

Genes: CLCF1 (cardiotrophin like cytokine factor 1; minus strand), LOC100130987 (uncharacterized LOC100130987; plus strand). Cytogenetic location: 11q13.2.
Variant type: Deletion.
Coding change: c.660_666del on transcript NM_013246.3 (MANE Select); coding-DNA positions 660 to 666, 7 bases deleted (GGGGGCT; older notation c.660_666delGGGGGCT).
Protein change: p.Gly221fs; shifts the reading frame from glycine 221.
Molecular consequence: frameshift variant.
Genome position (GRCh38, 1-based): chr11:67,365,148-67,365,154, AGCCCCC deleted on the plus strand (GGGGGCT on the coding strand, the reverse complement: CLCF1 is on the minus strand); deleting any 7 consecutive bases within chr11:67,365,148-67,365,156 gives the same sequence; the c. name uses the placement nearest the transcript's 3' end. VCF-style (leftmost placement, unchanged base first): chr11-67365147-GAGCCCCC-G. GRCh37 (hg19) VCF-style: chr11-67132618-GAGCCCCC-G.
Other names: p.Gly221Metfs*6; c.630_636del, p.Gly211fs (NM_001166212.2); c.660_666delGGGGGCT (NM_013246.2); short protein forms G221fs, G211fs.
Identifiers: ClinVar variation 713415 (VCV000713415.7), dbSNP rs140997186, ClinGen allele CA6136064.

ClinVar aggregate classification (germline): Benign. Review status: criteria provided, multiple submitters, no conflicts (2 of 4 stars). 3 submissions from 3 submitters: Benign (3). Last evaluated 2026-01-26.

Submissions (3):

Labcorp Genetics (formerly Invitae), Labcorp
Classification: Benign. Last evaluated: 2026-01-26. Review status: criteria provided, single submitter. Criteria: Invitae Variant Classification Sherloc (09022015). Collection method: clinical testing. Allele origin: germline.

Women's Health and Genetics/Laboratory Corporation of America, LabCorp
Classification: Benign. Last evaluated: 2022-05-20. Review status: criteria provided, single submitter. Criteria: LabCorp Variant Classification Summary - May 2015. Collection method: clinical testing. Allele origin: germline.
Comment: Variant summary: CLCF1 c.660_666delGGGGGCT (p.Gly221MetfsX6) causes a frameshift which results in an extension of the protein. The variant allele was found at a frequency of 0.0015 in 250902 control chromosomes, predominantly at a frequency of 0.021 within the African or African-American subpopulation in the gnomAD database, including 7 homozygotes. The observed variant frequency within African or African-American control individuals in the gnomAD database is approximately 84 fold of the estimated maximal expected allele frequency for a pathogenic variant in CLCF1 causing Cold-Induced Sweating Syndrome phenotype (0.00025), strongly suggesting that the variant is a benign polymorphism found primarily in populations of African or African-American origin. To our knowledge, no occurrence of c.660_666delGGGGGCT in individuals affected with Cold-Induced Sweating Syndrome and no experimental evidence demonstrating its impact on protein function have been reported. One ClinVar submitter (evaluation after 2014) cites the variant as benign. Based on the evidence outlined above, the variant was classified as benign.

Mayo Clinic Laboratories, Mayo Clinic
Classification: Benign. Last evaluated: 2021-08-06. Review status: criteria provided, single submitter. Criteria: ACMG Guidelines, 2015. Collection method: clinical testing. Allele origin: germline. Observed: 4 variant alleles.
Comment: BS1, BS2